The following is an entry in ClinVar:

NM_000552.5(VWF):c.5198T>C (p.Leu1733Pro)

Gene: VWF (von Willebrand factor; minus strand). Cytogenetic location: 12p13.31.
Variant type: single nucleotide variant.
Coding change: c.5198T>C on transcript NM_000552.5 (MANE Select); coding-DNA position 5198, T replaced by C.
Protein change: p.Leu1733Pro; replaces leucine 1733 with proline.
Molecular consequence: missense variant.
Genome position (GRCh38, 1-based): chr12:6,016,629, A>G on the plus strand (T>C on the coding strand, the complement: VWF is on the minus strand). VCF-style: chr12-6016629-A-G. GRCh37 (hg19) VCF-style: chr12-6125795-A-G.
Other names: short protein forms L1733P.
Identifiers: ClinVar variation 1703810 (VCV001703810.1), dbSNP rs2497507160, ClinGen allele CA383496267.

ClinVar aggregate classification (germline): Uncertain significance (1 of 4 stars; one submission).

Conditions:
von Willebrand disease type 1 (VWD1). Also called: VON WILLEBRAND DISEASE, TYPE I; VWD, TYPE 1. Identifiers: Orphanet 166078, Orphanet 903, MedGen C1264039, MONDO:0008668, OMIM 193400. Inheritance: autosomal recessive or autosomal dominant.

Submission:

ISTH-SSC Genomics in Thrombosis and Hemostasis, KU Leuven, Center for Molecular and Vascular Biology
Classification: Uncertain significance for von Willebrand disease type 1. Review status: criteria provided, single submitter. Criteria: ACMG Guidelines, 2015. Collection method: clinical testing. Allele origin: germline. Affected: yes. Observed: 1 heterozygote.
Comment: Submitted to GoldVariant by Kathleen Freson, Center for Molecular and Vascular Biology, Leuven, Belgium

Literature cited by the submitters: PubMed 31605304.